The following is an entry in ClinVar:

NM_001042545.2(LTBP4):c.1055C>T (p.Ser352Leu)

Gene: LTBP4 (latent transforming growth factor beta binding protein 4; plus strand). Cytogenetic location: 19q13.2.
Variant type: single nucleotide variant.
Coding change: c.1055C>T on transcript NM_001042545.2 (MANE Select); coding-DNA position 1055, C replaced by T.
Protein change: p.Ser352Leu; replaces serine 352 with leucine.
Molecular consequence: missense variant.
Genome position (GRCh38, 1-based): chr19:40,607,428, C>T. VCF-style: chr19-40607428-C-T. GRCh37 (hg19) VCF-style: chr19-41113334-C-T.
Other names: c.1256C>T, p.Ser419Leu (NM_001042544.1); c.1145C>T, p.Ser382Leu (NM_003573.2); short protein forms S419L, S352L, S382L.
Identifiers: ClinVar variation 3121451 (VCV003121451.2), dbSNP rs779519557, ClinGen allele CA9448180.
Genomic context (GRCh38, chr19:40,607,428, plus strand): 5'-AACACGTGATCTCAGAGGCCAAAGGGCCCTGCTTCCGCGTGCTCCGCGACGGCGGCTGTT[C>T]GCTGCCCATTCTGCGGAACATCACTAAACAGATCTGCTGCTGCAGCCGCGTAGGCAAGGC-3'
Protein context (NP_001036010.1, residues 342-362): CFRVLRDGGC[Ser352Leu]LPILRNITKQ

ClinVar aggregate classification (germline): Uncertain significance. Review status: criteria provided, multiple submitters, no conflicts (2 of 4 stars). 2 submissions from 2 submitters: Uncertain significance (2). Last evaluated 2025-03-20.

Conditions:
Inborn genetic diseases. Identifiers: MedGen C0950123, MeSH D030342.

Allele frequency attached by ClinVar (database versions not stated): gnomAD exomes below 0.00001; TOPMed below 0.00001; ExAC 0.00001.
gnomAD v4.1: 5 of 1,613,236 alleles (0.00031%); highest among the groups gnomAD compares: East Asian, 0.0067%; no homozygotes.

Submissions (2):

Labcorp Genetics (formerly Invitae), Labcorp
Classification: Uncertain significance. Last evaluated: 2025-03-20. Review status: criteria provided, single submitter. Criteria: Invitae Variant Classification Sherloc (09022015). Collection method: clinical testing. Allele origin: germline.
Comment: This sequence change replaces serine, which is neutral and polar, with leucine, which is neutral and non-polar, at codon 382 of the LTBP4 protein (p.Ser382Leu). This variant is present in population databases (rs779519557, gnomAD 0.02%). This variant has not been reported in the literature in individuals affected with LTBP4-related conditions. ClinVar contains an entry for this variant (Variation ID: 3121451). Experimental studies and prediction algorithms are not available or were not evaluated, and the functional significance of this variant is currently unknown. In summary, the available evidence is currently insufficient to determine the role of this variant in disease. Therefore, it has been classified as a Variant of Uncertain Significance.

Ambry Genetics
Classification: Uncertain significance for Inborn genetic diseases. Last evaluated: 2024-02-12. Review status: criteria provided, single submitter. Criteria: Ambry Variant Classification Scheme 2023. Collection method: clinical testing. Allele origin: germline.